The following is an entry in ClinVar:

ClinVar aggregate classification (germline): Conflicting classifications of pathogenicity. Review status: criteria provided, conflicting classifications (1 of 4 stars). 2 submissions from 2 submitters: Uncertain significance (1); Likely benign (1). Last evaluated 2021-12-15.

Conditions:
Cardiac arrhythmia. Also called: Arrhythmia; Cardiac rhythm disease. Identifiers: MedGen C0003811, MONDO:0007263, HP:0011675.

Submissions (2):

Color Diagnostics, LLC DBA Color Health
Classification: Uncertain significance for Cardiac arrhythmia. Last evaluated: 2021-12-15. Review status: criteria provided, single submitter. Criteria: ACMG Guidelines, 2015. Collection method: clinical testing. Allele origin: germline.
Comment: This variant is located in the 3' untranslated region of the KCNQ1 gene. To our knowledge, functional studies have not been reported for this variant. This variant has not been reported in individuals affected with cardiovascular disorders in the literature. This variant has not been identified in the general population by the Genome Aggregation Database (gnomAD). The available evidence is insufficient to determine the role of this variant in disease conclusively. Therefore, this variant is classified as a Variant of Uncertain Significance.

GeneDx
Classification: Likely benign. Last evaluated: 2020-10-26. Review status: criteria provided, single submitter. Criteria: GeneDx Variant Classification Process June 2021. Collection method: clinical testing. Allele origin: germline. Affected: yes.

NM_000218.3(KCNQ1):c.*7del

Genes: KCNQ1 (potassium voltage-gated channel subfamily Q member 1; plus strand), KCNQ1-AS1 (KCNQ1 antisense RNA 1; minus strand). Cytogenetic location: 11p15.4.
Variant type: Deletion.
Coding change: c.*7del on transcript NM_000218.3 (MANE Select); 7 bases downstream of the stop codon, one base deleted (G; older notation c.*7delG).
Molecular consequence: 3 prime UTR variant.
Genome position (GRCh38, 1-based): chr11:2,848,010, G deleted; the last of 4 consecutive G bases (chr11:2,848,007-2,848,010); deleting any one gives the same sequence. VCF-style (leftmost placement, unchanged base first): chr11-2848006-AG-A. GRCh37 (hg19) VCF-style: chr11-2869236-AG-A.
Other names: c.*7delG (NM_001406836.1, NM_001406837.1, NM_001406838.1 and 2 more transcripts).
Identifiers: ClinVar variation 1193163 (VCV001193163.6), dbSNP rs756899141, ClinGen allele CA597114355.
Genomic context (GRCh38, chr11:2,848,006, plus strand): 5'-CCTGCCCACCTACGAGCAGCTGACCGTGCCCAGGAGGGGCCCCGATGAGGGGTCCTGAGG[AG>A]GGGATGGGGCTGGGGGATGGGCCTGAGTGAGAGGGGAGGCCAAGAGTGGCCCCACCTGGC-3'